The following is an entry in ClinVar:

NM_001035.3(RYR2):c.9367+4T>C

Gene: RYR2 (ryanodine receptor 2; plus strand). Cytogenetic location: 1q43.
Variant type: single nucleotide variant.
Coding change: c.9367+4T>C on transcript NM_001035.3 (MANE Select); 4 bases into the intron after coding-DNA position 9367, T replaced by C.
Molecular consequence: intron variant.
Genome position (GRCh38, 1-based): chr1:237,700,471, T>C. VCF-style: chr1-237700471-T-C. GRCh37 (hg19) VCF-style: chr1-237863771-T-C.
Identifiers: ClinVar variation 842098 (VCV000842098.13), dbSNP rs1687869394, ClinGen allele CA916082164.

ClinVar aggregate classification (germline): Uncertain significance. Review status: criteria provided, multiple submitters, no conflicts (2 of 4 stars). 3 submissions from 3 submitters: Uncertain significance (3). Last evaluated 2024-08-13.

Conditions:
Cardiovascular phenotype. Identifiers: MedGen CN230736.
Catecholaminergic polymorphic ventricular tachycardia (CVPT). Also called: Catecholamine-induced polymorphic ventricular tachycardia. Identifiers: Orphanet 3286, MedGen C5574922, MONDO:0017990.
Catecholaminergic polymorphic ventricular tachycardia 1. Also called: VENTRICULAR TACHYCARDIA, CATECHOLAMINERGIC POLYMORPHIC, 1, WITH OR WITHOUT ATRIAL DYSFUNCTION AND/OR DILATED CARDIOMYOPATHY; VENTRICULAR TACHYCARDIA, STRESS-INDUCED POLYMORPHIC 1; RYR2-Related Catecholaminergic Polymorphic Ventricular Tachycardia. Identifiers: Orphanet 3286, MedGen C1631597, MONDO:0011484, OMIM 604772.

Allele frequency attached by ClinVar (database versions not stated): TOPMed 0.00001.

Submissions (3):

All of Us Research Program, National Institutes of Health
Classification: Uncertain significance for Catecholaminergic polymorphic ventricular tachycardia. Last evaluated: 2024-08-13. Review status: criteria provided, single submitter. Criteria: ACMG Guidelines, 2015. Collection method: clinical testing. Allele origin: germline. Inheritance: Autosomal dominant inheritance. Observed: 3 variant alleles, 3 heterozygotes.
Comment: This variant causes a T to C nucleotide substitution at the +4 position of intron 65 of the RYR2 gene. To our knowledge, functional studies have not been reported for this variant. This variant has not been reported in individuals affected with RYR2-related disorders in the literature. This variant has not been identified in the general population by the Genome Aggregation Database (gnomAD). The available evidence is insufficient to determine the role of this variant in disease conclusively. Therefore, this variant is classified as a Variant of Uncertain Significance.

This study involves interpretation of variants in research participants for the purpose of population health screening. Participant phenotype was not available at the time of variant classification. Additional details can be found in publication PMID: 35346344, PMCID: PMC8962531

Labcorp Genetics (formerly Invitae), Labcorp
Classification: Uncertain significance for Catecholaminergic polymorphic ventricular tachycardia 1. Last evaluated: 2023-11-01. Review status: criteria provided, single submitter. Criteria: Invitae Variant Classification Sherloc (09022015). Collection method: clinical testing. Allele origin: germline.
Comment: This sequence change falls in intron 65 of the RYR2 gene. It does not directly change the encoded amino acid sequence of the RYR2 protein. It affects a nucleotide within the consensus splice site. This variant is not present in population databases (gnomAD no frequency). This variant has not been reported in the literature in individuals affected with RYR2-related conditions. ClinVar contains an entry for this variant (Variation ID: 842098). Variants that disrupt the consensus splice site are a relatively common cause of aberrant splicing (PMID: 17576681, 9536098). Algorithms developed to predict the effect of sequence changes on RNA splicing suggest that this variant is not likely to affect RNA splicing. In summary, the available evidence is currently insufficient to determine the role of this variant in disease. Therefore, it has been classified as a Variant of Uncertain Significance.

Ambry Genetics
Classification: Uncertain significance for Cardiovascular phenotype. Last evaluated: 2021-12-01. Review status: criteria provided, single submitter. Criteria: Ambry Variant Classification Scheme 2023. Collection method: clinical testing. Allele origin: germline.
Comment: The c.9367+4T>C intronic variant results from a T to C substitution 4 nucleotides after coding exon 65 in the RYR2 gene. This nucleotide position is not well conserved in available vertebrate species. In silico splice site analysis predicts that this alteration will not have any significant effect on splicing. Since supporting evidence is limited at this time, the clinical significance of this alteration remains unclear.

Literature cited by the submitters: PubMed 17576681 (cited by Labcorp Genetics (formerly Invitae), Labcorp); PubMed 9536098 (cited by Labcorp Genetics (formerly Invitae), Labcorp).